The following is an entry in ClinVar:

ClinVar aggregate classification (germline): Pathogenic. Review status: criteria provided, multiple submitters, no conflicts (2 of 4 stars). 2 submissions from 2 submitters: Pathogenic (2). Last evaluated 2024-05-30.

Conditions:
Hereditary cancer-predisposing syndrome. Also called: Hereditary neoplastic syndrome; Neoplastic Syndromes, Hereditary; Tumor predisposition; Hereditary Cancer Syndrome. Identifiers: Orphanet 140162, MedGen C0027672, MeSH D009386, MONDO:0015356.

Submissions (2):

Ambry Genetics
Classification: Pathogenic for Hereditary cancer-predisposing syndrome. Last evaluated: 2024-05-30. Review status: criteria provided, single submitter. Criteria: Ambry Variant Classification Scheme 2023. Collection method: clinical testing. Allele origin: germline.
Comment: The c.132G>A pathogenic mutation (also known as p.M44I), located in coding exon 1 of the FH gene, results from a G to A substitution at nucleotide position 132. The amino acid change results in methionine to isoleucine at codon 44, an amino acid with highly similar properties. However, this change occurs in the last base pair of coding exon 1, which makes it likely to have some effect on normal mRNA splicing. This alteration has been detected in multiple individuals meeting clinical diagnostic criteria for Hereditary Leiomyomatosis and Renal Cell Cancer (HLRCC) syndrome (Ambry internal data). This nucleotide position is highly conserved in available vertebrate species. In silico splice site analysis predicts that this alteration may weaken the native splice donor site; however, direct evidence is insufficient at this time (Ambry internal data). Based on the supporting evidence, this alteration is interpreted as a disease-causing mutation.

Labcorp Genetics (formerly Invitae), Labcorp
Classification: Pathogenic. Last evaluated: 2023-03-07. Review status: criteria provided, single submitter. Criteria: Invitae Variant Classification Sherloc (09022015). Collection method: clinical testing. Allele origin: germline.
Comment: This missense change has been observed in individual(s) with leiomyomatosis and renal cell cancer (Invitae). It has also been observed to segregate with disease in related individuals. ClinVar contains an entry for this variant (Variation ID: 214393). An algorithm developed to predict the effect of missense changes on protein structure and function (PolyPhen-2) suggests that this variant is likely to be tolerated. This variant affects the in-frame methionine at codon 44 (Met44), which has been shown to be crucial for translation of the cytosolic FH echoform. A different variant at Met44 has been reported to affect FH protein function (PMID: 27037871). Variants that disrupt the consensus splice site are a relatively common cause of aberrant splicing (PMID: 17576681, 9536098). Algorithms developed to predict the effect of sequence changes on RNA splicing suggest that this variant may disrupt the consensus splice site. For these reasons, this variant has been classified as Pathogenic. This sequence change replaces methionine, which is neutral and non-polar, with isoleucine, which is neutral and non-polar, at codon 44 of the FH protein (p.Met44Ile). This variant also falls at the last nucleotide of exon 1, which is part of the consensus splice site for this exon. This variant is not present in population databases (gnomAD no frequency).

Literature cited by the submitters: PubMed 27037871 (cited by Labcorp Genetics (formerly Invitae), Labcorp); PubMed 17576681 (cited by Labcorp Genetics (formerly Invitae), Labcorp); PubMed 9536098 (cited by Labcorp Genetics (formerly Invitae), Labcorp).

NM_000143.4(FH):c.132G>A (p.Met44Ile)

Gene: FH (fumarate hydratase; minus strand). Cytogenetic location: 1q43.
Variant type: single nucleotide variant.
Coding change: c.132G>A on transcript NM_000143.4 (MANE Select); coding-DNA position 132, G replaced by A.
Protein change: p.Met44Ile; replaces methionine 44 with isoleucine.
Molecular consequence: missense variant.
Genome position (GRCh38, 1-based): chr1:241,519,591, C>T on the plus strand (G>A on the coding strand, the complement: FH is on the minus strand). VCF-style: chr1-241519591-C-T. GRCh37 (hg19) VCF-style: chr1-241682891-C-T.
Other names: short protein forms M44I.
Identifiers: ClinVar variation 214393 (VCV000214393.19), dbSNP rs863223982, ClinGen allele CA323363.